The following is an entry in ClinVar:

ClinVar aggregate classification (germline): Uncertain significance (1 of 4 stars; one submission).

Conditions:
Cone-rod dystrophy 6 (CORD6). Also called: RETINAL CONE DYSTROPHY 2; Cone dystrophy progressive. Identifiers: Orphanet 1872, MedGen C1866293, MONDO:0011143, OMIM 601777.
Leber congenital amaurosis 1 (LCA1). Also called: AMAUROSIS CONGENITA OF LEBER I; RETINAL BLINDNESS, CONGENITAL; Congenital absence of the rods and cones; Leber's congenital tapetoretinal degeneration; Leber's congenital tapetoretinal dysplasia. Identifiers: Orphanet 65, MedGen C2931258, MONDO:0008764, OMIM 204000.

Submission:

Labcorp Genetics (formerly Invitae), Labcorp
Classification: Uncertain significance for Leber congenital amaurosis 1; Cone-rod dystrophy 6. Last evaluated: 2024-12-03. Review status: criteria provided, single submitter. Criteria: Invitae Variant Classification Sherloc (09022015). Collection method: clinical testing. Allele origin: germline.
Comment: This sequence change replaces proline, which is neutral and non-polar, with serine, which is neutral and polar, at codon 764 of the GUCY2D protein (p.Pro764Ser). This variant is not present in population databases (gnomAD no frequency). This variant has not been reported in the literature in individuals affected with GUCY2D-related conditions. ClinVar contains an entry for this variant (Variation ID: 958864). Invitae Evidence Modeling of protein sequence and biophysical properties (such as structural, functional, and spatial information, amino acid conservation, physicochemical variation, residue mobility, and thermodynamic stability) has been performed for this missense variant. However, the output from this modeling did not meet the statistical confidence thresholds required to predict the impact of this variant on GUCY2D protein function. In summary, the available evidence is currently insufficient to determine the role of this variant in disease. Therefore, it has been classified as a Variant of Uncertain Significance.

NM_000180.4(GUCY2D):c.2290C>T (p.Pro764Ser)

Gene: GUCY2D (guanylate cyclase 2D, retinal; plus strand). Cytogenetic location: 17p13.1.
Variant type: single nucleotide variant.
Coding change: c.2290C>T on transcript NM_000180.4 (MANE Select); coding-DNA position 2290, C replaced by T.
Protein change: p.Pro764Ser; replaces proline 764 with serine.
Molecular consequence: missense variant.
Genome position (GRCh38, 1-based): chr17:8,013,906, C>T. VCF-style: chr17-8013906-C-T. GRCh37 (hg19) VCF-style: chr17-7917224-C-T.
Other names: short protein forms P764S.
Identifiers: ClinVar variation 958864 (VCV000958864.9), dbSNP rs1975906957, ClinGen allele CA397953108.